The following is an entry in ClinVar:

NM_001848.3(COL6A1):c.1254C>T (p.Asp418=)

Gene: COL6A1 (collagen type VI alpha 1 chain; plus strand). Cytogenetic location: 21q22.3.
Variant type: single nucleotide variant.
Coding change: c.1254C>T on transcript NM_001848.3 (MANE Select); coding-DNA position 1254, C replaced by T.
Protein change: p.Asp418=; no amino-acid change (aspartic acid 418 retained).
Molecular consequence: synonymous variant.
Genome position (GRCh38, 1-based): chr21:45,992,380, C>T. VCF-style: chr21-45992380-C-T. GRCh37 (hg19) VCF-style: chr21-47412294-C-T.
Identifiers: ClinVar variation 282529 (VCV000282529.19), dbSNP rs148630223, ClinGen allele CA10070195.

ClinVar aggregate classification (germline): Conflicting classifications of pathogenicity. Review status: criteria provided, conflicting classifications (1 of 4 stars). 3 submissions from 3 submitters: Uncertain significance (1); Benign (1); Likely benign (1). Last evaluated 2025-12-03.

Conditions:
Collagen 6-related myopathy. Identifiers: MedGen CN117976, MONDO:0100225.
Bethlem myopathy 1A. Also called: Bethlem myopathy 1; MYOPATHY, BENIGN CONGENITAL, WITH CONTRACTURES; Bethlem Muscular Dystrophy. Identifiers: Orphanet 610, MedGen CN029274, MONDO:0024530, OMIM 158810.

Allele frequency attached by ClinVar (database versions not stated): ExAC 0.00012; gnomAD exomes 0.00012 and 0.00014; gnomAD 0.00020 and 0.00021; TOPMed 0.00024; 1000 Genomes Project 30x 0.00031; ESP Exome Variant Server 0.00031; 1000 Genomes Project 0.00040.
gnomAD v4.1: 238 of 1,613,480 alleles (0.015%); highest among the groups gnomAD compares: African/African-American, 0.053%; no homozygotes.

Submissions (3):

Labcorp Genetics (formerly Invitae), Labcorp
Classification: Likely benign for Bethlem myopathy 1A. Last evaluated: 2025-12-03. Review status: criteria provided, single submitter. Criteria: Invitae Variant Classification Sherloc (09022015). Collection method: clinical testing. Allele origin: germline.

Illumina Laboratory Services, Illumina
Classification: Benign for Collagen VI-related myopathy. Last evaluated: 2018-01-13. Review status: criteria provided, single submitter. Criteria: ICSL Variant Classification Criteria 13 December 2019. Collection method: clinical testing. Allele origin: germline.
Comment: This variant was observed in the ICSL laboratory as part of a predisposition screen in an ostensibly healthy population. It had not been previously curated by ICSL or reported in the Human Gene Mutation Database (HGMD: prior to June 1st, 2018), and was therefore a candidate for classification through an automated scoring system. Utilizing variant allele frequency, disease prevalence and penetrance estimates, and inheritance mode, an automated score was calculated to assess if this variant is too frequent to cause the disease. Based on the score and internal cut-off values, a variant classified as benign is not then subjected to further curation. The score for this variant resulted in a classification of benign for this disease.

Eurofins Ntd Llc (ga)
Classification: Uncertain significance. Last evaluated: 2017-02-28. Review status: criteria provided, single submitter. Criteria: EGL Classification Definitions 2015. Collection method: clinical testing. Allele origin: germline. Observed: 2 variant alleles, 2 heterozygotes.